The following is an entry in ClinVar:

ClinVar aggregate classification (germline): Uncertain significance (1 of 4 stars; one submission).

Conditions:
Alpha thalassemia-X-linked intellectual disability syndrome (ATRX). Also called: ALPHA-THALASSEMIA/MENTAL RETARDATION SYNDROME, X-LINKED; ATR, NONDELETION TYPE; ATR-X syndrome; Alpha thalassemia mental retardation syndrome, nondeletion type, X-linked; XLMR hypotonic face syndrome; X-linked alpha-thalassemia-mental retardation syndrome. Identifiers: Orphanet 847, MedGen C1845055, MONDO:0010519, OMIM 301040.

Allele frequency attached by ClinVar (database versions not stated): gnomAD exomes 0.00001 and below 0.00001; TOPMed below 0.00001.
gnomAD v4.1: 1 of 1,209,685 alleles (0.000083%); highest among the groups gnomAD compares: East Asian, 0.003%; no homozygotes.

Submission:

Baylor Genetics
Classification: Uncertain significance for Alpha thalassemia-X-linked intellectual disability syndrome. Last evaluated: 2018-07-21. Review status: criteria provided, single submitter. Criteria: ACMG Guidelines, 2015. Collection method: clinical testing. Allele origin: maternal. Affected: yes.
Comment: This variant was determined to be of uncertain significance according to ACMG Guidelines, 2015 [PMID:25741868].

NM_000489.6(ATRX):c.1766A>C (p.Lys589Thr)

Gene: ATRX (ATRX chromatin remodeler; minus strand). Cytogenetic location: Xq21.1.
Variant type: single nucleotide variant.
Coding change: c.1766A>C on transcript NM_000489.6 (MANE Select); coding-DNA position 1766, A replaced by C.
Protein change: p.Lys589Thr; replaces lysine 589 with threonine.
Molecular consequence: missense variant.
Genome position (GRCh38, 1-based): chrX:77,683,490, T>G on the plus strand (A>C on the coding strand, the complement: ATRX is on the minus strand). VCF-style: chrX-77683490-T-G. GRCh37 (hg19) VCF-style: chrX-76938982-T-G.
Other names: c.1652A>C, p.Lys551Thr (NM_138270.5); short protein forms K551T, K589T.
Identifiers: ClinVar variation 1032388 (VCV001032388.1), dbSNP rs1557140828, ClinGen allele CA413716589.
Genomic context (GRCh38, chrX:77,683,490, plus strand): 5'-GGAACTTCCTGACAATCAGCACCTTTAATTGGGGAATTAGAAAGGGAAACAGGAGTGAGT[T>G]TAACATATAATTCTTTTGTTACTTTAGCTGTAGTTTTTGATTTAATACCTCCTCTGTTGT-3'
Protein context (NP_000480.3, residues 579-599): TAKVTKELYV[Lys589Thr]LTPVSLSNSP